The following is an entry in ClinVar:

NM_170606.3(KMT2C):c.13334G>A (p.Gly4445Asp)

Gene: KMT2C (lysine methyltransferase 2C; minus strand). Cytogenetic location: 7q36.1.
Variant type: single nucleotide variant.
Coding change: c.13334G>A on transcript NM_170606.3 (MANE Select); coding-DNA position 13334, G replaced by A.
Protein change: p.Gly4445Asp; replaces glycine 4445 with aspartic acid.
Molecular consequence: missense variant.
Genome position (GRCh38, 1-based): chr7:152,148,593, C>T on the plus strand (G>A on the coding strand, the complement: KMT2C is on the minus strand). VCF-style: chr7-152148593-C-T. GRCh37 (hg19) VCF-style: chr7-151845678-C-T.
Other names: short protein forms G4445D.
Identifiers: ClinVar variation 984514 (VCV000984514.2), dbSNP rs2091357682, ClinGen allele CA370091499.

ClinVar aggregate classification (germline): Likely pathogenic (1 of 4 stars; one submission).

Conditions:
Kleefstra syndrome 2 (KLEFS2). Identifiers: MedGen C4540395, MONDO:0054701, OMIM 617768.

Submission:

Women's Health and Genetics/Laboratory Corporation of America, LabCorp
Classification: Likely pathogenic for Kleefstra syndrome 2. Last evaluated: 2023-07-28. Review status: criteria provided, single submitter. Criteria: LabCorp Variant Classification Summary - May 2015. Collection method: clinical testing. Allele origin: germline.
Comment: Variant summary: KMT2C c.13334G>A (p.Gly4445Asp) results in a non-conservative amino acid change located in the Extended PHD (ePHD) domain (IPR034732) of the encoded protein sequence. Four of five in-silico tools predict a damaging effect of the variant on protein function. The variant was absent in 250922 control chromosomes. To our knowledge, no experimental evidence demonstrating an impact on protein function has been reported. No submitters have cited clinical-significance assessments for this variant to ClinVar after 2014. Based on the evidence outlined above, the variant was classified as likely pathogenic.